The following is an entry in ClinVar:

ClinVar aggregate classification (germline): Likely pathogenic. Review status: criteria provided, multiple submitters, no conflicts (2 of 4 stars). 3 submissions from 3 submitters: Likely pathogenic (2). 1 of the submissions does not count toward it. Last evaluated 2023-07-11.

Conditions:
Familial long QT syndrome (RWS). Also called: Congenital long QT syndrome; Romano-Ward syndrome; VENTRICULAR FIBRILLATION WITH PROLONGED QT INTERVAL. Identifiers: Orphanet 768, MedGen C1141890, MONDO:0019171.
Long QT syndrome (LQTS). Identifiers: MedGen C0023976, MeSH D008133, MONDO:0002442. Disease mechanism: loss of function. Inheritance: Various modes of inheritance.
Long QT syndrome 1 (LQT1). Identifiers: Orphanet 101016, Orphanet 768, MedGen C4551647, MONDO:0100316, OMIM 192500, MONDO:0008646.

Submissions (3):

All of Us Research Program, National Institutes of Health
Classification: Likely pathogenic for Long QT syndrome. Last evaluated: 2023-07-11. Review status: criteria provided, single submitter. Criteria: ACMG Guidelines, 2015. Collection method: clinical testing. Allele origin: germline. Inheritance: Autosomal dominant inheritance. Observed: 1 variant allele, 1 heterozygote.
Comment: The c.556G>A (p.Gly186Ser) variant in KCNQ1 gene, that encodes for potassium voltage-gated channel subfamily Q member 1, has been identified in heterozygous status in at least ten individuals with Long QT syndrome 1 (LQTS1) (PMID: 17470695, 14678125). In-silico computational prediction tools suggest that this variant may have deleterious effect on the protein function (REVEL score: 0.937). This variant is found to be absent in the general population database (gnomAD). Different missense changes at the same codon (p.Gly186Arg, p.Gly186Asp, p.Gly186Cys, p.Gly186Val) have been reported as pathogenic/ likely pathogenic by several ClinVar submitters (ClinVar ID: 53065, 207967, 200894, 432149). Therefore, the c.556G>A (p.Gly186Ser) variant in the KCNQ1 gene is classified as likely pathogenic.

This study involves interpretation of variants in research participants for the purpose of population health screening. Participant phenotype was not available at the time of variant classification. Additional details can be found in publication PMID: 35346344, PMCID: PMC8962531

3billion
Classification: Likely pathogenic for Long QT syndrome 1. Last evaluated: 2023-02-23. Review status: criteria provided, single submitter. Criteria: ACMG Guidelines, 2015. Collection method: clinical testing. Allele origin: unknown. Affected: yes.
Comment: The variant is not observed in the gnomAD v2.1.1 dataset. In silico tool predictions suggest damaging effect of the variant on gene or gene product (REVEL: 0.94; 3Cnet: 0.97). Same nucleotide change resulting in same amino acid change has been previously reported to be associated with KCNQ1-related disorder (PMID: 17470695). Different missense changes at the same codon (p.Gly186Arg, p.Gly186Asp, p.Gly186Cys, p.Gly186Val) have been reported as pathogenic/likely pathogenic with strong evidence (ClinVar ID: VCV000053065, VCV000200894, VCV000207967, VCV000432149). Therefore, this variant is classified as Likely pathogenic according to the recommendation of ACMG/AMP guideline.

Cardiovascular Biomedical Research Unit, Royal Brompton & Harefield NHS Foundation Trust
No classification provided. Condition: Familial long QT syndrome. Review status: no classification provided. Collection method: literature only. Allele origin: germline. Not counted in ClinVar's aggregate classification.
Comment: This variant has been reported as associated with Long QT syndrome in the following publications (PMID:14678125;PMID:17470695;PMID:19862833). This is a literature report, and does not necessarily reflect the clinical interpretation of the Imperial College / Royal Brompton Cardiovascular Genetics laboratory.

Literature cited by the submitters: PubMed 14678125 (cited by All of Us Research Program, National Institutes of Health and Cardiovascular Biomedical Research Unit, Royal Brompton & Harefield NHS Foundation Trust); PubMed 17470695 (cited by 3 submitters); PubMed 19862833 (cited by Cardiovascular Biomedical Research Unit, Royal Brompton & Harefield NHS Foundation Trust); PubMed 22581653 (cited by Cardiovascular Biomedical Research Unit, Royal Brompton & Harefield NHS Foundation Trust).

NM_000218.3(KCNQ1):c.556G>A (p.Gly186Ser)

Gene: KCNQ1 (potassium voltage-gated channel subfamily Q member 1; plus strand). Cytogenetic location: 11p15.5.
Variant type: single nucleotide variant.
Coding change: c.556G>A on transcript NM_000218.3 (MANE Select); coding-DNA position 556, G replaced by A.
Protein change: p.Gly186Ser; replaces glycine 186 with serine.
Molecular consequence: missense variant.
Genome position (GRCh38, 1-based): chr11:2,570,706, G>A. VCF-style: chr11-2570706-G-A. GRCh37 (hg19) VCF-style: chr11-2591936-G-A.
Other names: c.556G>A (LRG_287t1); c.556G>A, p.Gly186Ser (NM_001406836.1); c.286G>A, p.Gly96Ser (NM_001406837.1); c.175G>A, p.Gly59Ser (NM_181798.2); short protein forms G186S, G59S, G96S.
Identifiers: ClinVar variation 67082 (VCV000067082.9), dbSNP rs199473398, ClinGen allele CA007432.
Genomic context (GRCh38, chr11:2,570,706, plus strand): 5'-TTCTTCGGGACGGAGTACGTGGTCCGCCTCTGGTCCGCCGGCTGCCGCAGCAAGTACGTG[G>A]GCCTCTGGGGGCGGCTGCGCTTTGCCCGGAAGCCCATTTCCATCATCGGTGAGTCATGCC-3'
Protein context (NP_000209.2, residues 176-196): WSAGCRSKYV[Gly186Ser]LWGRLRFARK